The following is an entry in ClinVar:

ClinVar aggregate classification (germline): Conflicting classifications of pathogenicity. Review status: criteria provided, conflicting classifications (1 of 4 stars). 3 submissions from 3 submitters: Uncertain significance (1); Likely benign (2). Last evaluated 2025-08-23.

Conditions:
Inborn genetic diseases. Identifiers: MedGen C0950123, MeSH D030342.
Autosomal recessive nonsyndromic hearing loss 30. Identifiers: Orphanet 90636, MedGen C1846784, MONDO:0011774, OMIM 607101.

Allele frequency attached by ClinVar (database versions not stated): ExAC 0.00001; gnomAD 0.00001.
gnomAD v4.1: 22 of 1,613,970 alleles (0.0014%); highest among the groups gnomAD compares: East Asian, 0.0045%; no homozygotes.

Submissions (3):

Ambry Genetics
Classification: Likely benign for Inborn genetic diseases. Last evaluated: 2025-08-23. Review status: criteria provided, single submitter. Criteria: Ambry Variant Classification Scheme 2023. Collection method: clinical testing. Allele origin: germline.

Labcorp Genetics (formerly Invitae), Labcorp
Classification: Uncertain significance. Last evaluated: 2025-04-28. Review status: criteria provided, single submitter. Criteria: Invitae Variant Classification Sherloc (09022015). Collection method: clinical testing. Allele origin: germline.
Comment: This sequence change replaces threonine, which is neutral and polar, with methionine, which is neutral and non-polar, at codon 302 of the MYO3A protein (p.Thr302Met). This variant is present in population databases (rs753270542, gnomAD 0.01%). This variant has not been reported in the literature in individuals affected with MYO3A-related conditions. ClinVar contains an entry for this variant (Variation ID: 1805771). An algorithm developed to predict the effect of missense changes on protein structure and function outputs the following: PolyPhen-2: "Benign". The methionine amino acid residue is found in multiple mammalian species, which suggests that this missense change does not adversely affect protein function. In summary, the available evidence is currently insufficient to determine the role of this variant in disease. Therefore, it has been classified as a Variant of Uncertain Significance.

Victorian Clinical Genetics Services, Murdoch Childrens Research Institute
Classification: Likely benign for Autosomal recessive nonsyndromic hearing loss 30. Last evaluated: 2020-05-25. Review status: criteria provided, single submitter. Criteria: ACMG Guidelines, 2015. Collection method: clinical testing. Allele origin: germline. Inheritance: Autosomal recessive inheritance.
Comment: A heterozygous missense variant was identified, NM_017433.4(MYO3A):c.905C>T in exon 10 of 35 of the MYO3A gene (NB: this variant is non-coding in an alternative transcript). This substitution is predicted to create a moderate amino acid change from a threonine to an methionine at position 302 of the protein; NP_059129.3(MYO3A):p.(Thr302Met). The threonine at this position has low conservation (100 vertebrates, UCSC), and is not situated in a known functional domain (NCBI). In silico software predicts this variant to be tolerated (Polyphen, SIFT, CADD, Mutation Taster). The variant is present in the gnomAD population database at a global population frequency of 0.002% (5 heterozygotes, 0 homozygotes) with an East Asian sub-population frequency of 0.01%. This variant is present in the Deafness Variation Database as likely benign, and has not previously been reported in clinical case. Based on information available at the time of curation, this variant has been classified as LIKELY BENIGN. Legend: (P) - Pathogenic, (N) - Neutral, (B) - Benign

NM_017433.5(MYO3A):c.905C>T (p.Thr302Met)

Gene: MYO3A (myosin IIIA; plus strand). Cytogenetic location: 10p12.1.
Variant type: single nucleotide variant.
Coding change: c.905C>T on transcript NM_017433.5 (MANE Select); coding-DNA position 905, C replaced by T.
Protein change: p.Thr302Met; replaces threonine 302 with methionine.
Molecular consequence: missense variant.
Genome position (GRCh38, 1-based): chr10:26,026,484, C>T. VCF-style: chr10-26026484-C-T. GRCh37 (hg19) VCF-style: chr10-26315413-C-T.
Other names: short protein forms T302M.
Identifiers: ClinVar variation 1805771 (VCV001805771.5), dbSNP rs753270542, ClinGen allele CA5444476.
Genomic context (GRCh38, chr10:26,026,484, plus strand): 5'-TACAGCATAAATTCATTACTCAAATTGAGGGCAAAGATGTGATGCTACAAAAACAACTAA[C>T]GGAATTCATTGGCATCCATCAATGCATGGGAGGCACAGAAAAGGCCAGGTAATCAAATAA-3'
Protein context (NP_059129.3, residues 292-312): GKDVMLQKQL[Thr302Met]EFIGIHQCMG